The following is an entry in ClinVar:

NM_014625.4(NPHS2):c.503G>A (p.Arg168His)

Gene: NPHS2 (NPHS2 stomatin family member, podocin; minus strand). Cytogenetic location: 1q25.2.
Variant type: single nucleotide variant.
Coding change: c.503G>A on transcript NM_014625.4 (MANE Select); coding-DNA position 503, G replaced by A.
Protein change: p.Arg168His; replaces arginine 168 with histidine.
Molecular consequence: missense variant.
Genome position (GRCh38, 1-based): chr1:179,559,710, C>T on the plus strand (G>A on the coding strand, the complement: NPHS2 is on the minus strand). VCF-style: chr1-179559710-C-T. GRCh37 (hg19) VCF-style: chr1-179528845-C-T.
Other names: c.503G>A, p.Arg168His (NM_001297575.2); short protein forms R168H.
Identifiers: ClinVar variation 188730 (VCV000188730.26), dbSNP rs530318579, ClinGen allele CA199046.

ClinVar aggregate classification (germline): Pathogenic/Likely pathogenic. Review status: criteria provided, multiple submitters, no conflicts (2 of 4 stars). 13 submissions from 13 submitters: Pathogenic (10); Likely pathogenic (1). 2 of the submissions do not count toward it. Last evaluated 2025-07-24.

Conditions:
NPHS2-related disorder. Also called: NPHS2-related condition.
Nephrotic syndrome. Identifiers: MedGen C0027726, MONDO:0005377, HP:0000100.
Finnish congenital nephrotic syndrome (NPHS1). Also called: NEPHROTIC SYNDROME, TYPE 1. Identifiers: Orphanet 839, MedGen C0403399, MONDO:0009732, OMIM 256300.
Nephrotic syndrome, type 2 (NPHS2). Also called: NEPHROTIC SYNDROME, STEROID-RESISTANT, AUTOSOMAL RECESSIVE. Identifiers: Orphanet 656, MedGen C1868672, MONDO:0010974, OMIM 600995.
Steroid-resistant nephrotic syndrome. Identifiers: MedGen C0403397, MONDO:0044765, HP:0012588.

Allele frequency attached by ClinVar (database versions not stated): gnomAD 0.00001; gnomAD exomes 0.00001 and 0.00002; ExAC 0.00009; 1000 Genomes Project 30x 0.00016; 1000 Genomes Project 0.00020; TOPMed below 0.00001.

Submissions (13):

Natera, Inc.
Classification: Pathogenic for Steroid-resistant nephrotic syndrome. Last evaluated: 2025-07-24. Review status: criteria provided, single submitter. Criteria: Natera Variant Classification Schema (03/2026). Collection method: clinical testing. Allele origin: germline.
Comment: The c.503G>A variant in NPHS2 is a missense variant predicted to cause substitution of arginine to histidine at amino acid 168. This variant is rare in the general population with a frequency below the threshold expected for the associated phenotype(s). This variant has been observed in one or more individuals affected with the associated recessive disease, as either homozygous or compound heterozygous with a second variant (PMID: 24227627). Given the available evidence, this variant is classified as Pathogenic.

Fulgent Genetics
Classification: Pathogenic for Nephrotic syndrome, type 2. Last evaluated: 2024-03-28. Review status: criteria provided, single submitter. Criteria: ACMG Guidelines, 2015. Collection method: clinical testing. Allele origin: germline.

Laboratory of Medical Genetics, National & Kapodistrian University of Athens
Classification: Pathogenic for Nephrotic syndrome, type 2. Last evaluated: 2024-02-01. Review status: criteria provided, single submitter. Criteria: ACMG Guidelines, 2015. Collection method: curation. Allele origin: germline. Affected: no.

Labcorp Genetics (formerly Invitae), Labcorp
Classification: Pathogenic. Last evaluated: 2023-04-30. Review status: criteria provided, single submitter. Criteria: Invitae Variant Classification Sherloc (09022015). Collection method: clinical testing. Allele origin: germline.
Comment: This missense change has been observed in individual(s) with steroid-resistant nephrotic syndrome (PMID: 15042551, 15059485, 26467726, 28385484). In at least one individual the data is consistent with being in trans (on the opposite chromosome) from a pathogenic variant. It has also been observed to segregate with disease in related individuals. For these reasons, this variant has been classified as Pathogenic. Experimental studies have shown that this missense change affects NPHS2 function (PMID: 14675423). Advanced modeling of protein sequence and biophysical properties (such as structural, functional, and spatial information, amino acid conservation, physicochemical variation, residue mobility, and thermodynamic stability) performed at Invitae indicates that this missense variant is expected to disrupt NPHS2 protein function. ClinVar contains an entry for this variant (Variation ID: 188730). The frequency data for this variant in the population databases is considered unreliable, as metrics indicate poor data quality at this position in the gnomAD database. This sequence change replaces arginine, which is basic and polar, with histidine, which is basic and polar, at codon 168 of the NPHS2 protein (p.Arg168His).

Genome-Nilou Lab
Classification: Likely pathogenic for Nephrotic syndrome, type 2. Last evaluated: 2023-04-11. Review status: criteria provided, single submitter. Criteria: ACMG Guidelines, 2015. Collection method: clinical testing. Allele origin: germline. Affected: no.

Blueprint Genetics
Classification: Pathogenic for NPHS2-related disorders. Last evaluated: 2022-11-17. Review status: criteria provided, single submitter. Criteria: ACMG Guidelines, 2015. Collection method: clinical testing. Allele origin: germline. Affected: yes. Observed: 3 variant alleles.

Revvity Omics, Revvity
Classification: Pathogenic for Nephrotic syndrome, type 2. Last evaluated: 2022-09-12. Review status: criteria provided, single submitter. Criteria: ACMG Guidelines, 2015. Collection method: clinical testing. Allele origin: germline.

Johns Hopkins Genomics, Johns Hopkins University
Classification: Pathogenic for Nephrotic syndrome, type 2. Last evaluated: 2021-03-30. Review status: criteria provided, single submitter. Criteria: ACMG Guidelines, 2015. Collection method: clinical testing. Allele origin: germline.
Comment: NPHS2 c.503G>A has been identified in the compound heterozygote or homozygous state in multiple individuals with steroid-resistant nephrotic syndrome. This NPHS2 variant (rs530318579) is rare (<0.1%) in a large population dataset (gnomAD: 3/221108 total alleles; 0.0014%; no homozygotes). There is an entry for this variant in ClinVar (Variation ID: 188730). Three bioinformatic tools queried predict that this substitution would be damaging, and the arginine residue at this position is evolutionarily conserved across most species assessed. There is functional evidence that this variant causes mislocalization of the NPHS2 protein. We consider NPHS2 c.503G>A to be pathogenic.

Women's Health and Genetics/Laboratory Corporation of America, LabCorp
Classification: Pathogenic for Idiopathic nephrotic syndrome. Last evaluated: 2020-07-12. Review status: criteria provided, single submitter. Criteria: LabCorp Variant Classification Summary - May 2015. Collection method: clinical testing. Allele origin: germline.
Comment: Variant summary: NPHS2 c.503G>A (p.Arg168His) results in a non-conservative amino acid change in the encoded protein sequence. Five of five in-silico tools predict a damaging effect of the variant on protein function. The variant allele was found at a frequency of 1.4e-05 in 221108 control chromosomes. c.503G>A has been reported in the literature in multiple individuals affected with Nephrotic Syndrome, Type 2 (examples- Weber_2004, Ruf_2004, Mann_2019). These data indicate that the variant is very likely to be associated with disease. Several publications report experimental evidence evaluating an impact on protein function, indicating that the variant results in mislocalization of the protein to the endoplasmic reticulum (examples- Roselli_2004, Fan_2009). One clinical diagnostic laboratory has submitted clinical-significance assessments for this variant to ClinVar after 2014 without evidence for independent evaluation and cited the variant as pathogenic. Based on the evidence outlined above, the variant was classified as pathogenic.

Athena Diagnostics
Classification: Pathogenic. Last evaluated: 2017-05-05. Review status: criteria provided, single submitter. Criteria: Athena Diagnostics Criteria. Collection method: clinical testing. Allele origin: germline.

Vasylyeva lab, Texas Tech University Health Sciences Center
Classification: Pathogenic for Finnish congenital nephrotic syndrome. Review status: criteria provided, single submitter. Criteria: ACMG Guidelines, 2015. Collection method: clinical testing. Allele origin: unknown. Affected: yes.

Sydney Genome Diagnostics, Children's Hospital Westmead
Classification: Pathogenic for Nephrotic syndrome. Last evaluated: 2018-09-06. Review status: no assertion criteria provided. Collection method: clinical testing. Allele origin: unknown. Affected: yes. Observed: 1 variant allele, 1 homozygote. Not counted in ClinVar's aggregate classification.
Comment: This variant has been previously reported in the homozygote state, and also in compound heterozygote with another pathogenic NPHS2 variant, in patients with steroid resistant nephrotic syndrome (SRNS) (Weber et al 2004 Kid Int 66:571-79). In vitro study of the NPHS2 p.Arg168His mutant in cultured podocytes showed the mutant proteins were retained in the endoplasmic reticulum (ER). This caused the mislocalisation of other critical slit diaphragm molecules, and significantly upregulated the ER stress markers, resulting in podocyte apoptosis and the cause of SRNS (Fan et al 2009 Genes Cells 14:1079-90).

Counsyl
Classification: Likely pathogenic for Nephrotic syndrome, idiopathic, steroid-resistant. Last evaluated: 2014-03-25. Review status: no assertion criteria provided. Collection method: literature only. Allele origin: unknown. Inheritance: Autosomal recessive inheritance. Not counted in ClinVar's aggregate classification.

Literature cited by the submitters: PubMed 24227627 (cited by Natera, Inc.); PubMed 15042551 (cited by Labcorp Genetics (formerly Invitae), Labcorp and Athena Diagnostics); PubMed 15059485 (cited by Labcorp Genetics (formerly Invitae), Labcorp); PubMed 26467726 (cited by 3 submitters); PubMed 28385484 (cited by Labcorp Genetics (formerly Invitae), Labcorp and Vasylyeva lab, Texas Tech University Health Sciences Center); PubMed 14675423 (cited by 5 submitters); PubMed 15253708 (cited by 4 submitters); PubMed 19674119 (cited by 4 submitters); PubMed 14978175 (cited by Women's Health and Genetics/Laboratory Corporation of America, LabCorp and Counsyl); PubMed 30655312 (cited by Women's Health and Genetics/Laboratory Corporation of America, LabCorp); PubMed 26211502 (cited by Athena Diagnostics); PubMed 15322893 (cited by Athena Diagnostics and Counsyl); PubMed 17899208 (cited by Athena Diagnostics and Counsyl); PubMed 19371226 (cited by Athena Diagnostics and Counsyl); PubMed 20507940 (cited by 3 submitters); PubMed 23013956 (cited by Counsyl); PubMed 19067903 (cited by Counsyl); PubMed 16810518 (cited by Counsyl); PubMed 18216321 (cited by Counsyl); PubMed 20798252 (cited by Counsyl).